The following is an entry in ClinVar:

ClinVar aggregate classification (germline): Uncertain significance (1 of 4 stars; one submission).

Conditions:
Leber congenital amaurosis 12 (LCA12). Identifiers: Orphanet 65, MedGen C1857743, MONDO:0012525, OMIM 610612.

Submission:

Labcorp Genetics (formerly Invitae), Labcorp
Classification: Uncertain significance for Leber congenital amaurosis 12. Last evaluated: 2022-06-25. Review status: criteria provided, single submitter. Criteria: Invitae Variant Classification Sherloc (09022015). Collection method: clinical testing. Allele origin: germline.
Comment: This variant is not present in population databases (gnomAD no frequency). This sequence change replaces arginine, which is basic and polar, with lysine, which is basic and polar, at codon 99 of the RD3 protein (p.Arg99Lys). This variant also falls at the last nucleotide of exon 2, which is part of the consensus splice site for this exon. This variant has not been reported in the literature in individuals affected with RD3-related conditions. In summary, the available evidence is currently insufficient to determine the role of this variant in disease. Therefore, it has been classified as a Variant of Uncertain Significance. Variants that disrupt the consensus splice site are a relatively common cause of aberrant splicing (PMID: 17576681, 9536098). Algorithms developed to predict the effect of sequence changes on RNA splicing suggest that this variant may disrupt the consensus splice site. Algorithms developed to predict the effect of missense changes on protein structure and function are either unavailable or do not agree on the potential impact of this missense change (SIFT: "Tolerated"; PolyPhen-2: "Possibly Damaging"; Align-GVGD: "Class C0").

Literature cited by the submitters: PubMed 17576681; PubMed 9536098.

NM_001164688.2(RD3):c.296G>A (p.Arg99Lys)

Gene: RD3 (RD3 regulator of GUCY2D; minus strand). Cytogenetic location: 1q32.3.
Variant type: single nucleotide variant.
Coding change: c.296G>A on transcript NM_001164688.2 (MANE Select); coding-DNA position 296, G replaced by A.
Protein change: p.Arg99Lys; replaces arginine 99 with lysine.
Molecular consequence: missense variant.
Genome position (GRCh38, 1-based): chr1:211,481,120, C>T on the plus strand (G>A on the coding strand, the complement: RD3 is on the minus strand). VCF-style: chr1-211481120-C-T. GRCh37 (hg19) VCF-style: chr1-211654462-C-T.
Other names: c.296G>A, p.Arg99Lys (NM_183059.3); short protein forms R99K.
Identifiers: ClinVar variation 2010610 (VCV002010610.4), dbSNP rs2464554431, ClinGen allele CA344879145.
Genomic context (GRCh38, chr1:211,481,120, plus strand): 5'-CACTGCAGCCACCTTTCCTGGAGCCTGCAGCCCAGCAAGGGTCCCCATCCCAGTGCTCAC[C>T]TGAGGATAGCAGGCCCACAATAGGATGGGTGGATCTTAACGCAGACATCTTCCAGCTGCA-3'
Protein context (NP_001158160.1, residues 89-109): HPSYCGPAIL[Arg99Lys]FRQLLAEQEP